The following is an entry in ClinVar:

NM_001277083.2(POTEJ):c.2077G>C (p.Val693Leu)

Gene: POTEJ (POTE ankyrin domain family member J; plus strand). Cytogenetic location: 2q21.1.
Variant type: single nucleotide variant.
Coding change: c.2077G>C on transcript NM_001277083.2 (MANE Select); coding-DNA position 2077, G replaced by C.
Protein change: p.Val693Leu; replaces valine 693 with leucine.
Molecular consequence: missense variant.
Genome position (GRCh38, 1-based): chr2:130,656,837, G>C. VCF-style: chr2-130656837-G-C. GRCh37 (hg19) VCF-style: chr2-131414410-G-C.
Other names: short protein forms V693L.
Identifiers: ClinVar variation 3234189 (VCV003234189.20), dbSNP rs199621042, ClinGen allele CA1873484.

ClinVar aggregate classification (germline): Likely benign (1 of 4 stars; one submission).

Allele frequency attached by ClinVar (database versions not stated): 1000 Genomes Project 30x 0.00203; 1000 Genomes Project 0.00240; gnomAD 0.00386; ExAC 0.00421; gnomAD exomes 0.00690.
gnomAD v4.1: 10,628 of 1,598,284 alleles (0.66%); highest among the groups gnomAD compares: Non-Finnish European, 0.82%; 169 homozygotes.

Submission:

CeGaT Center for Human Genetics Tuebingen
Classification: Likely benign. Last evaluated: 2025-04-01. Review status: criteria provided, single submitter. Criteria: CeGaT Center For Human Genetics Tuebingen Variant Classification Criteria Version 2. Collection method: clinical testing. Allele origin: germline. Affected: yes. Observed: 2 variant alleles.
Comment: POTEJ: PP3, BS2